The following is an entry in ClinVar:

ClinVar aggregate classification (germline): Likely pathogenic. Review status: criteria provided, multiple submitters, no conflicts (2 of 4 stars). 2 submissions from 2 submitters: Likely pathogenic (2). Last evaluated 2022-11-29.

Conditions:
SPAST-related disorder. Also called: SPAST-related condition.
Hereditary spastic paraplegia 4. Also called: Familial spastic paraplegia autosomal dominant 2; Spastic paraplegia 4, autosomal dominant; Spastic Paraplegia 4. Identifiers: Orphanet 100985, MedGen C1866855, MONDO:0008438, OMIM 182601.

Submissions (2):

Labcorp Genetics (formerly Invitae), Labcorp
Classification: Likely pathogenic for Hereditary spastic paraplegia 4. Last evaluated: 2022-11-29. Review status: criteria provided, single submitter. Criteria: Invitae Variant Classification Sherloc (09022015). Collection method: clinical testing. Allele origin: germline.
Comment: Advanced modeling of protein sequence and biophysical properties (such as structural, functional, and spatial information, amino acid conservation, physicochemical variation, residue mobility, and thermodynamic stability) performed at Invitae indicates that this missense variant is expected to disrupt SPAST protein function. ClinVar contains an entry for this variant (Variation ID: 566837). This missense change has been observed in individuals with hereditary spastic paraplegia (PMID: 23400676, 31594988; Invitae). This variant is not present in population databases (gnomAD no frequency). This sequence change replaces leucine, which is neutral and non-polar, with proline, which is neutral and non-polar, at codon 380 of the SPAST protein (p.Leu380Pro). In summary, the currently available evidence indicates that the variant is pathogenic, but additional data are needed to prove that conclusively. Therefore, this variant has been classified as Likely Pathogenic. This variant disrupts the p.Leu380 amino acid residue in SPAST. Other variant(s) that disrupt this residue have been observed in individuals with SPAST-related conditions (PMID: 17594340), which suggests that this may be a clinically significant amino acid residue.

Blueprint Genetics
Classification: Likely pathogenic for SPAST-related disorders. Last evaluated: 2018-03-07. Review status: criteria provided, single submitter. Criteria: ACMG Guidelines, 2015. Collection method: clinical testing. Allele origin: germline. Affected: yes. Observed: 1 variant allele.

Literature cited by the submitters: PubMed 23400676 (cited by Labcorp Genetics (formerly Invitae), Labcorp); PubMed 31594988 (cited by Labcorp Genetics (formerly Invitae), Labcorp); PubMed 17594340 (cited by Labcorp Genetics (formerly Invitae), Labcorp).

NM_014946.4(SPAST):c.1139T>C (p.Leu380Pro)

Gene: SPAST (spastin; plus strand). Cytogenetic location: 2p22.3.
Variant type: single nucleotide variant.
Coding change: c.1139T>C on transcript NM_014946.4 (MANE Select); coding-DNA position 1139, T replaced by C.
Protein change: p.Leu380Pro; replaces leucine 380 with proline.
Molecular consequence: missense variant.
Genome position (GRCh38, 1-based): chr2:32,126,988, T>C. VCF-style: chr2-32126988-T-C. GRCh37 (hg19) VCF-style: chr2-32352057-T-C.
Other names: c.1136T>C, p.Leu379Pro (NM_001363823.2); c.1040T>C, p.Leu347Pro (NM_001363875.2); c.1043T>C, p.Leu348Pro (NM_001377959.1, NM_199436.2); short protein forms L380P, L379P, L347P, L348P.
Identifiers: ClinVar variation 566837 (VCV000566837.9), dbSNP rs1553316819, ClinGen allele CA346501275.